The following is an entry in ClinVar:

NM_000143.4(FH):c.904G>A (p.Gly302Ser)

Gene: FH (fumarate hydratase; minus strand). Cytogenetic location: 1q43.
Variant type: single nucleotide variant.
Coding change: c.904G>A on transcript NM_000143.4 (MANE Select); coding-DNA position 904, G replaced by A.
Protein change: p.Gly302Ser; replaces glycine 302 with serine.
Molecular consequence: missense variant.
Genome position (GRCh38, 1-based): chr1:241,506,003, C>T on the plus strand (G>A on the coding strand, the complement: FH is on the minus strand). VCF-style: chr1-241506003-C-T. GRCh37 (hg19) VCF-style: chr1-241669303-C-T.
Other names: c.904G>A (NM_000143.3); short protein forms G302S.
Identifiers: ClinVar variation 1002639 (VCV001002639.15), dbSNP rs200412958, ClinGen allele CA40328111.

ClinVar aggregate classification (germline): Uncertain significance. Review status: criteria provided, multiple submitters, no conflicts (2 of 4 stars). 3 submissions from 3 submitters: Uncertain significance (2). 1 of the submissions does not count toward it. Last evaluated 2024-09-26.

Conditions:
Hereditary cancer-predisposing syndrome. Also called: Hereditary neoplastic syndrome; Neoplastic Syndromes, Hereditary; Tumor predisposition; Hereditary Cancer Syndrome. Identifiers: Orphanet 140162, MedGen C0027672, MeSH D009386, MONDO:0015356.
Fumarase deficiency (FMRD). Also called: Fumaric aciduria; Fumarate Hydratase Deficiency. Identifiers: Orphanet 24, MedGen C0342770, MONDO:0011730, OMIM 606812.

Allele frequency attached by ClinVar (database versions not stated): gnomAD exomes below 0.00001 and 0.00001.

Submissions (3):

Ambry Genetics
Classification: Uncertain significance for Hereditary cancer-predisposing syndrome. Last evaluated: 2024-09-26. Review status: criteria provided, single submitter. Criteria: Ambry Variant Classification Scheme 2023. Collection method: clinical testing. Allele origin: germline.
Comment: The p.G302S variant (also known as c.904G>A), located in coding exon 6 of the FH gene, results from a G to A substitution at nucleotide position 904. The glycine at codon 302 is replaced by serine, an amino acid with similar properties. This change occurs in the last base pair of coding exon 6, however, RNA studies have demonstrated that this alteration does not result in abnormal splicing in the set of samples tested (Ambry internal data). This nucleotide position is highly conserved in available vertebrate species. This amino acid position is highly conserved in available vertebrate species. In silico splice site analysis for this alteration is inconclusive. In addition, as a missense substitution this is predicted to be inconclusive by in silico analysis. Since supporting evidence is limited at this time, the clinical significance of this alteration remains unclear.

Labcorp Genetics (formerly Invitae), Labcorp
Classification: Uncertain significance. Last evaluated: 2024-04-08. Review status: criteria provided, single submitter. Criteria: Invitae Variant Classification Sherloc (09022015). Collection method: clinical testing. Allele origin: germline.
Comment: This sequence change replaces glycine, which is neutral and non-polar, with serine, which is neutral and polar, at codon 302 of the FH protein (p.Gly302Ser). This variant also falls at the last nucleotide of exon 6, which is part of the consensus splice site for this exon. This variant is present in population databases (rs200412958, gnomAD 0.0009%). This variant has not been reported in the literature in individuals affected with FH-related conditions. ClinVar contains an entry for this variant (Variation ID: 1002639). An algorithm developed to predict the effect of missense changes on protein structure and function (PolyPhen-2) suggests that this variant is likely to be tolerated. Variants that disrupt the consensus splice site are a relatively common cause of aberrant splicing (PMID: 17576681, 9536098). RNA analysis performed to evaluate the impact of this missense change on mRNA splicing indicates it does not significantly alter splicing (Invitae). In summary, the available evidence is currently insufficient to determine the role of this variant in disease. Therefore, it has been classified as a Variant of Uncertain Significance.

Natera, Inc.
Classification: Uncertain significance for Fumarase Deficiency. Last evaluated: 2020-09-02. Review status: no assertion criteria provided. Collection method: clinical testing. Allele origin: germline. Not counted in ClinVar's aggregate classification.

Literature cited by the submitters: PubMed 17576681 (cited by Labcorp Genetics (formerly Invitae), Labcorp); PubMed 9536098 (cited by Labcorp Genetics (formerly Invitae), Labcorp).